The following is an entry in ClinVar:

ClinVar aggregate classification (germline): Benign/Likely benign. Review status: criteria provided, multiple submitters, no conflicts (2 of 4 stars). 3 submissions from 3 submitters: Benign (2); Likely benign (1). Last evaluated 2026-01-26.

Conditions:
Charcot-Marie-Tooth disease axonal type 2Z. Also called: CHARCOT-MARIE-TOOTH DISEASE, AXONAL, AUTOSOMAL DOMINANT, TYPE 2Z; CHARCOT-MARIE-TOOTH NEUROPATHY, TYPE 2Z. Identifiers: Orphanet 466768, MedGen C5569025, MONDO:0014736, OMIM 616688.
Developmental delay, impaired growth, dysmorphic facies, and axonal neuropathy. Identifiers: MedGen C5436781, MONDO:0030835, OMIM 619090.

Allele frequency attached by ClinVar (database versions not stated): TOPMed 0.00356; 1000 Genomes Project 30x 0.00750; 1000 Genomes Project 0.00879; gnomAD 0.00093 and 0.00139; gnomAD exomes 0.00100 and 0.00263; ExAC 0.00250.
gnomAD v4.1: 1,644 of 1,613,998 alleles (0.1%); highest among the groups gnomAD compares: East Asian, 3.5%; 43 homozygotes.

Submissions (3):

Labcorp Genetics (formerly Invitae), Labcorp
Classification: Benign for Charcot-Marie-Tooth disease axonal type 2Z. Last evaluated: 2026-01-26. Review status: criteria provided, single submitter. Criteria: Invitae Variant Classification Sherloc (09022015). Collection method: clinical testing. Allele origin: germline.

Mayo Clinic Laboratories, Mayo Clinic
Classification: Benign. Last evaluated: 2024-04-25. Review status: criteria provided, single submitter. Criteria: ACMG Guidelines, 2015. Collection method: clinical testing. Allele origin: germline. Observed: 2 variant alleles.
Comment: BA1, BS2, BP4

Fulgent Genetics
Classification: Likely benign for Charcot-Marie-Tooth disease axonal type 2Z; Developmental delay, impaired growth, dysmorphic facies, and axonal neuropathy. Last evaluated: 2022-04-06. Review status: criteria provided, single submitter. Criteria: ACMG Guidelines, 2015. Collection method: clinical testing. Allele origin: unknown.

NM_001303256.3(MORC2):c.626A>G (p.Asn209Ser)

Gene: MORC2 (MORC family CW-type zinc finger 2; minus strand). Cytogenetic location: 22q12.2.
Variant type: single nucleotide variant.
Coding change: c.626A>G on transcript NM_001303256.3 (MANE Select); coding-DNA position 626, A replaced by G.
Protein change: p.Asn209Ser; replaces asparagine 209 with serine.
Molecular consequence: missense variant.
Genome position (GRCh38, 1-based): chr22:30,941,963, T>C on the plus strand (A>G on the coding strand, the complement: MORC2 is on the minus strand). VCF-style: chr22-30941963-T-C. GRCh37 (hg19) VCF-style: chr22-31337950-T-C.
Other names: p.Asn209Ser; c.626A>G, p.Asn209Ser (NM_001303257.2); c.440A>G, p.Asn147Ser (NM_014941.3); short protein forms N147S, N209S.
Identifiers: ClinVar variation 475597 (VCV000475597.14), dbSNP rs76273991, ClinGen allele CA10187202.
Genomic context (GRCh38, chr22:30,941,963, plus strand): 5'-GACGTCTCTGCCATCTGGATATCTCTTGGATTTGAGATTATGTCTAGTTCTGGCTCTCCA[T>C]TATCCATGAGTTTGAGATTGAAGATGATCACCAATGTTCCTGAGAAACAGAAATCTTTTG-3'
Protein context (NP_001290185.1, residues 199-219): VIIFNLKLMD[Asn209Ser]GEPELDIISN